The following is an entry in ClinVar:

NM_005477.3(HCN4):c.2968C>G (p.Pro990Ala)

Gene: HCN4 (hyperpolarization activated cyclic nucleotide gated potassium channel 4; minus strand). Cytogenetic location: 15q24.1.
Variant type: single nucleotide variant.
Coding change: c.2968C>G on transcript NM_005477.3 (MANE Select); coding-DNA position 2968, C replaced by G.
Protein change: p.Pro990Ala; replaces proline 990 with alanine.
Molecular consequence: missense variant.
Genome position (GRCh38, 1-based): chr15:73,323,125, G>C on the plus strand (C>G on the coding strand, the complement: HCN4 is on the minus strand). VCF-style: chr15-73323125-G-C. GRCh37 (hg19) VCF-style: chr15-73615466-G-C.
Other names: short protein forms P990A.
Identifiers: ClinVar variation 1383965 (VCV001383965.6), dbSNP rs2151214239, ClinGen allele CA393086642.

ClinVar aggregate classification (germline): Uncertain significance (1 of 4 stars; one submission).

Conditions:
Brugada syndrome 8 (BRGDA8). Identifiers: Orphanet 130, MedGen C2751083, MONDO:0013148, OMIM 613123.

Submission:

Labcorp Genetics (formerly Invitae), Labcorp
Classification: Uncertain significance for Brugada syndrome 8. Last evaluated: 2022-03-18. Review status: criteria provided, single submitter. Criteria: Invitae Variant Classification Sherloc (09022015). Collection method: clinical testing. Allele origin: germline.
Comment: In summary, the available evidence is currently insufficient to determine the role of this variant in disease. Therefore, it has been classified as a Variant of Uncertain Significance. This sequence change replaces proline, which is neutral and non-polar, with alanine, which is neutral and non-polar, at codon 990 of the HCN4 protein (p.Pro990Ala). This variant is not present in population databases (gnomAD no frequency). This variant has not been reported in the literature in individuals affected with HCN4-related conditions. Advanced modeling of protein sequence and biophysical properties (such as structural, functional, and spatial information, amino acid conservation, physicochemical variation, residue mobility, and thermodynamic stability) performed at Invitae indicates that this missense variant is not expected to disrupt HCN4 protein function.